The following is an entry in ClinVar:

NM_004977.3(KCNC3):c.2013G>A (p.Ala671=)

Gene: KCNC3 (potassium voltage-gated channel subfamily C member 3; minus strand). Cytogenetic location: 19q13.33.
Variant type: single nucleotide variant.
Coding change: c.2013G>A on transcript NM_004977.3 (MANE Select); coding-DNA position 2013, G replaced by A.
Protein change: p.Ala671=; no amino-acid change (alanine 671 retained).
Molecular consequence: synonymous variant. On other transcripts: non-coding transcript variant (1).
Genome position (GRCh38, 1-based): chr19:50,320,750, C>T on the plus strand (G>A on the coding strand, the complement: KCNC3 is on the minus strand). VCF-style: chr19-50320750-C-T. GRCh37 (hg19) VCF-style: chr19-50824007-C-T.
Other names: c.1785G>A, p.Ala595= (NM_001372305.1).
Identifiers: ClinVar variation 746460 (VCV000746460.20), dbSNP rs201255011, ClinGen allele CA9594129.

ClinVar aggregate classification (germline): Benign/Likely benign. Review status: criteria provided, multiple submitters, no conflicts (2 of 4 stars). 3 submissions from 3 submitters: Benign (1); Likely benign (2). Last evaluated 2025-12-23.

Allele frequency attached by ClinVar (database versions not stated): ExAC 0.00008; ESP Exome Variant Server 0.00008; gnomAD exomes 0.00010; gnomAD 0.00018 and 0.00019; TOPMed 0.00023; 1000 Genomes Project 0.00040; 1000 Genomes Project 30x 0.00062.

Submissions (3):

Labcorp Genetics (formerly Invitae), Labcorp
Classification: Likely benign. Last evaluated: 2025-12-23. Review status: criteria provided, single submitter. Criteria: Invitae Variant Classification Sherloc (09022015). Collection method: clinical testing. Allele origin: germline.

CeGaT Center for Human Genetics Tuebingen
Classification: Likely benign. Last evaluated: 2025-06-01. Review status: criteria provided, single submitter. Criteria: CeGaT Center For Human Genetics Tuebingen Variant Classification Criteria Version 2. Collection method: clinical testing. Allele origin: germline. Affected: yes. Observed: 1 variant allele.
Comment: KCNC3: BP4, BP7

Athena Diagnostics
Classification: Benign. Last evaluated: 2023-11-01. Review status: criteria provided, single submitter. Criteria: Athena Diagnostics Criteria. Collection method: clinical testing. Allele origin: unknown.